The following is an entry in ClinVar:

ClinVar aggregate classification (germline): Uncertain significance (1 of 4 stars; one submission).

Conditions:
Epilepsy, X-linked 2, with or without impaired intellectual development and dysmorphic features (EPILX2). Identifiers: MedGen C5774178, MONDO:0859564, OMIM 301091.

Submission:

3billion
Classification: Uncertain significance for Epilepsy, X-linked 2, with or without impaired intellectual development and dysmorphic features. Last evaluated: 2025-11-21. Review status: criteria provided, single submitter. Criteria: ACMG Guidelines, 2015. Collection method: clinical testing. Allele origin: germline. Affected: yes.
Comment: The variant is not observed in the gnomAD v4.1.0 dataset. Predicted Consequence/Location: Missense variant. Missense changes are a common disease-causing mechanism. In silico tool predictions suggest damaging effect of the variant on gene or gene product [REVEL: 0.84 (>=0.6, sensitivity 0.68 and specificity 0.92); 3Cnet: 0.82 (> 0.75, sensitivity 0.96 and precision 0.92)]. Therefore, this variant is classified as VUS according to the recommendation of ACMG/AMP guideline.

NM_000808.4(GABRA3):c.934G>T (p.Val312Phe)

Gene: GABRA3 (gamma-aminobutyric acid type A receptor subunit alpha3; minus strand). Cytogenetic location: Xq28.
Variant type: single nucleotide variant.
Coding change: c.934G>T on transcript NM_000808.4 (MANE Select); coding-DNA position 934, G replaced by T.
Protein change: p.Val312Phe; replaces valine 312 with phenylalanine.
Molecular consequence: missense variant.
Genome position (GRCh38, 1-based): chrX:152,189,939, C>A on the plus strand (G>T on the coding strand, the complement: GABRA3 is on the minus strand). VCF-style: chrX-152189939-C-A. GRCh37 (hg19) VCF-style: chrX-151358411-C-A.
Other names: short protein forms V312F.
Identifiers: ClinVar variation 4854799 (VCV004854799.1).